The following is an entry in ClinVar:

NM_032322.4(RNF135):c.532G>A (p.Val178Met)

Gene: RNF135 (ring finger protein 135; plus strand). Cytogenetic location: 17q11.2.
Variant type: single nucleotide variant.
Coding change: c.532G>A on transcript NM_032322.4 (MANE Select); coding-DNA position 532, G replaced by A.
Protein change: p.Val178Met; replaces valine 178 with methionine.
Molecular consequence: missense variant. On other transcripts: intron variant (1).
Genome position (GRCh38, 1-based): chr17:30,987,959, G>A. VCF-style: chr17-30987959-G-A. GRCh37 (hg19) VCF-style: chr17-29314977-G-A.
Other names: c.532G>A, p.Val178Met (NM_001184992.2); c.516+3199G>A (NM_197939.2); short protein forms V178M.
Identifiers: ClinVar variation 1216257 (VCV001216257.3), dbSNP rs1160373769, ClinGen allele CA399202137.

ClinVar aggregate classification (germline): Uncertain significance (1 of 4 stars; one submission).

Allele frequency attached by ClinVar (database versions not stated): gnomAD exomes below 0.00001; TOPMed 0.00001.
gnomAD v4.1: 7 of 1,614,038 alleles (0.00043%); highest among the groups gnomAD compares: Non-Finnish European, 0.00051%; no homozygotes.

Submission:

GeneDx
Classification: Uncertain significance. Last evaluated: 2019-11-25. Review status: criteria provided, single submitter. Criteria: GeneDx Variant Classification Process June 2021. Collection method: clinical testing. Allele origin: germline. Affected: yes.
Comment: Not observed in large population cohorts (Lek et al., 2016); In silico analysis, which includes protein predictors and evolutionary conservation, supports that this variant does not alter protein structure/function; Has not been previously published as pathogenic or benign to our knowledge